The following is an entry in ClinVar:

NM_006946.4(SPTBN2):c.3545G>A (p.Arg1182His)

Gene: SPTBN2 (spectrin beta, non-erythrocytic 2; minus strand). Cytogenetic location: 11q13.2.
Variant type: single nucleotide variant.
Coding change: c.3545G>A on transcript NM_006946.4 (MANE Select); coding-DNA position 3545, G replaced by A.
Protein change: p.Arg1182His; replaces arginine 1182 with histidine.
Molecular consequence: missense variant.
Genome position (GRCh38, 1-based): chr11:66,700,554, C>T on the plus strand (G>A on the coding strand, the complement: SPTBN2 is on the minus strand). VCF-style: chr11-66700554-C-T. GRCh37 (hg19) VCF-style: chr11-66468025-C-T.
Other names: c.3566G>A, p.Arg1189His (NM_001411025.1); short protein forms R1182H, R1189H.
Identifiers: ClinVar variation 3621804 (VCV003621804.2).

ClinVar aggregate classification (germline): Uncertain significance (1 of 4 stars; one submission).

gnomAD v4.1: 11 of 1,606,046 alleles (0.00068%); highest among the groups gnomAD compares: East Asian, 0.0022%; no homozygotes.

Submission:

Labcorp Genetics (formerly Invitae), Labcorp
Classification: Uncertain significance. Last evaluated: 2024-09-10. Review status: criteria provided, single submitter. Criteria: Invitae Variant Classification Sherloc (09022015). Collection method: clinical testing. Allele origin: germline.
Comment: This sequence change replaces arginine, which is basic and polar, with histidine, which is basic and polar, at codon 1182 of the SPTBN2 protein (p.Arg1182His). This variant is present in population databases (rs777214144, gnomAD 0.002%). This variant has not been reported in the literature in individuals affected with SPTBN2-related conditions. Invitae Evidence Modeling of protein sequence and biophysical properties (such as structural, functional, and spatial information, amino acid conservation, physicochemical variation, residue mobility, and thermodynamic stability) indicates that this missense variant is expected to disrupt SPTBN2 protein function with a positive predictive value of 80%. In summary, the available evidence is currently insufficient to determine the role of this variant in disease. Therefore, it has been classified as a Variant of Uncertain Significance.